The following is an entry in ClinVar:

ClinVar aggregate classification (germline): Uncertain significance (1 of 4 stars; one submission).

Submission:

Labcorp Genetics (formerly Invitae), Labcorp
Classification: Uncertain significance. Last evaluated: 2024-10-25. Review status: criteria provided, single submitter. Criteria: Invitae Variant Classification Sherloc (09022015). Collection method: clinical testing. Allele origin: germline.
Comment: This sequence change replaces asparagine, which is neutral and polar, with lysine, which is basic and polar, at codon 243 of the LOX protein (p.Asn243Lys). This variant is not present in population databases (gnomAD no frequency). This variant has not been reported in the literature in individuals affected with LOX-related conditions. Invitae Evidence Modeling of protein sequence and biophysical properties (such as structural, functional, and spatial information, amino acid conservation, physicochemical variation, residue mobility, and thermodynamic stability) has been performed for this missense variant. However, the output from this modeling did not meet the statistical confidence thresholds required to predict the impact of this variant on LOX protein function. In summary, the available evidence is currently insufficient to determine the role of this variant in disease. Therefore, it has been classified as a Variant of Uncertain Significance.

NM_002317.7(LOX):c.729C>A (p.Asn243Lys)

Genes: LOX (lysyl oxidase; minus strand), SRFBP1 (serum response factor binding protein 1; plus strand). Cytogenetic location: 5q23.1.
Variant type: single nucleotide variant.
Coding change: c.729C>A on transcript NM_002317.7 (MANE Select); coding-DNA position 729, C replaced by A.
Protein change: p.Asn243Lys; replaces asparagine 243 with lysine.
Molecular consequence: missense variant. On other transcripts: intron variant (1).
Genome position (GRCh38, 1-based): chr5:122,076,904, G>T on the plus strand (C>A on the coding strand, the complement: LOX is on the minus strand). VCF-style: chr5-122076904-G-T. GRCh37 (hg19) VCF-style: chr5-121412599-G-T.
Other names: c.39C>A, p.Asn13Lys (NM_001178102.2); c.-152+188C>A (NM_001317073.1); short protein forms N13K, N243K.
Identifiers: ClinVar variation 3721175 (VCV003721175.2).